The following is an entry in ClinVar:

NM_002495.4(NDUFS4):c.178-228G>A

Gene: NDUFS4 (NADH:ubiquinone oxidoreductase subunit S4; plus strand). Cytogenetic location: 5q11.2.
Variant type: single nucleotide variant.
Coding change: c.178-228G>A on transcript NM_002495.4 (MANE Select); 228 bases into the intron before coding-DNA position 178, G replaced by A.
Molecular consequence: intron variant.
Genome position (GRCh38, 1-based): chr5:53,646,005, G>A. VCF-style: chr5-53646005-G-A. GRCh37 (hg19) VCF-style: chr5-52941835-G-A.
Other names: c.178-228G>A (NM_001318051.2).
Identifiers: ClinVar variation 683100 (VCV000683100.1), dbSNP rs12516733, ClinGen allele CA16227382.

ClinVar aggregate classification (germline): Benign (1 of 4 stars; one submission).

Allele frequency attached by ClinVar (database versions not stated): TOPMed 0.15670; gnomAD 0.16544; 1000 Genomes Project 0.12740; 1000 Genomes Project 30x 0.12836.
gnomAD v4.1: 25,031 of 151,926 alleles (16%); highest among the groups gnomAD compares: Non-Finnish European, 21%; 2,301 homozygotes.

Submission:

GeneDx
Classification: Benign. Last evaluated: 2018-06-14. Review status: criteria provided, single submitter. Criteria: GeneDx Variant Classification (06012015). Collection method: clinical testing. Allele origin: germline. Affected: yes.
Comment: This variant is considered likely benign or benign based on one or more of the following criteria: it is a conservative change, it occurs at a poorly conserved position in the protein, it is predicted to be benign by multiple in silico algorithms, and/or has population frequency not consistent with disease.